The following is an entry in ClinVar:

ClinVar aggregate classification (germline): Uncertain significance (1 of 4 stars; one submission).

gnomAD v4.1: 3 of 1,614,106 alleles (0.00019%); highest among the groups gnomAD compares: African/African-American, 0.004%; no homozygotes.

Submission:

GeneDx
Classification: Uncertain significance. Last evaluated: 2024-02-29. Review status: criteria provided, single submitter. Criteria: GeneDx Variant Classification Process June 2021. Collection method: clinical testing. Allele origin: germline. Affected: yes.
Comment: Not observed at significant frequency in large population cohorts (gnomAD); In silico analysis supports that this missense variant does not alter protein structure/function; Has not been previously published as pathogenic or benign to our knowledge

NM_001130438.3(SPTAN1):c.4249A>C (p.Lys1417Gln)

Gene: SPTAN1 (spectrin alpha, non-erythrocytic 1; plus strand). Cytogenetic location: 9q34.11.
Variant type: single nucleotide variant.
Coding change: c.4249A>C on transcript NM_001130438.3 (MANE Select); coding-DNA position 4249, A replaced by C.
Protein change: p.Lys1417Gln; replaces lysine 1417 with glutamine.
Molecular consequence: missense variant.
Genome position (GRCh38, 1-based): chr9:128,607,954, A>C. VCF-style: chr9-128607954-A-C. GRCh37 (hg19) VCF-style: chr9-131370233-A-C.
Other names: c.4189A>C, p.Lys1397Gln (NM_001195532.2, NM_001363765.2, NM_001375314.2); c.4249A>C, p.Lys1417Gln (NM_001363759.2, NM_001375310.1, NM_001375311.2 and 2 more transcripts); c.4285A>C, p.Lys1429Gln (NM_001375312.2, NM_001375318.1); short protein forms K1397Q, K1417Q, K1429Q.
Identifiers: ClinVar variation 3369920 (VCV003369920.1).